The following is an entry in ClinVar:

NM_000629.3(IFNAR1):c.235T>C (p.Cys79Arg)

Gene: IFNAR1 (interferon alpha and beta receptor subunit 1; plus strand). Cytogenetic location: 21q22.11.
Variant type: single nucleotide variant.
Coding change: c.235T>C on transcript NM_000629.3 (MANE Select); coding-DNA position 235, T replaced by C.
Protein change: p.Cys79Arg; replaces cysteine 79 with arginine.
Molecular consequence: missense variant. On other transcripts: 5 prime UTR variant (1), intron variant (1).
Genome position (GRCh38, 1-based): chr21:33,341,033, T>C. VCF-style: chr21-33341033-T-C. GRCh37 (hg19) VCF-style: chr21-34713339-T-C.
Other names: c.235T>C, p.Cys79Arg (NM_001384498.1, NM_001384499.1, NM_001384501.1 and 1 more transcripts); c.-552T>C (NM_001384500.1); c.28T>C, p.Cys10Arg (NM_001384504.1); c.-183-45T>C (NM_001384502.1); short protein forms C79R, C10R.
Identifiers: ClinVar variation 1387079 (VCV001387079.7), dbSNP rs759468229, ClinGen allele CA10006438.

ClinVar aggregate classification (germline): Uncertain significance (1 of 4 stars; one submission).

Allele frequency attached by ClinVar (database versions not stated): ExAC 0.00001; gnomAD 0.00001; gnomAD exomes 0.00001; TOPMed 0.00001.
gnomAD v4.1: 5 of 1,611,982 alleles (0.00031%); highest among the groups gnomAD compares: Admixed American, 0.0084%; no homozygotes.

Submission:

Labcorp Genetics (formerly Invitae), Labcorp
Classification: Uncertain significance. Last evaluated: 2024-10-28. Review status: criteria provided, single submitter. Criteria: Invitae Variant Classification Sherloc (09022015). Collection method: clinical testing. Allele origin: germline.
Comment: This sequence change replaces cysteine, which is neutral and slightly polar, with arginine, which is basic and polar, at codon 79 of the IFNAR1 protein (p.Cys79Arg). This variant is present in population databases (rs759468229, gnomAD 0.009%). This variant has not been reported in the literature in individuals affected with IFNAR1-related conditions. ClinVar contains an entry for this variant (Variation ID: 1387079). An algorithm developed to predict the effect of missense changes on protein structure and function (PolyPhen-2) suggests that this variant is likely to be disruptive. In summary, the available evidence is currently insufficient to determine the role of this variant in disease. Therefore, it has been classified as a Variant of Uncertain Significance.